The following is an entry in ClinVar:

ClinVar aggregate classification (germline): Uncertain significance. Review status: reviewed by expert panel (3 of 4 stars). 6 submissions from 6 submitters: Uncertain significance (1). 5 of the submissions do not count toward it. Last evaluated 2024-05-02.

Conditions:
Myocardial infarction, susceptibility to. Identifiers: MedGen C1832662, MONDO:0012039, OMIM 608446.
Glanzmann thrombasthenia 2. Also called: BLEEDING DISORDER, PLATELET-TYPE, 23. Identifiers: MedGen C5543273, MONDO:0031009, OMIM 619267.
Bleeding disorder, platelet-type, 24. Also called: GLANZMANN THROMBASTHENIA-LIKE WITH MACROTHROMBOCYTOPENIA 2. Identifiers: MedGen C5543280, MONDO:0030996, OMIM 619271.
Glanzmann thrombasthenia. Also called: THROMBASTHENIA OF GLANZMANN AND NAEGELI; Glanzmann's thrombasthenia; Thrombasthenia; PLATELET GLYCOPROTEIN IIb-IIIa DEFICIENCY. Identifiers: Orphanet 849, MedGen C0040015, MONDO:0100326.

Allele frequency attached by ClinVar (database versions not stated): gnomAD exomes below 0.00001 and 0.00001; ExAC 0.00001; gnomAD 0.00001.
gnomAD v4.1: 2 of 1,613,732 alleles (0.00012%); highest among the groups gnomAD compares: East Asian, 0.0045%; no homozygotes.

Submissions (7):

ClinGen Platelet Disorders Variant Curation Expert Panel, ClinGen
Classification: Uncertain significance for Glanzmann thrombasthenia. Last evaluated: 2024-05-02. Review status: reviewed by expert panel. Criteria: ClinGen Platelet ACMG Specifications v2-1. Collection method: curation. Allele origin: germline. Inheritance: Autosomal recessive inheritance.
Comment: The variant NM_000212.3(ITGB3):c.778-2A>G occurs within a canonical splice site and is predicted to cause skipping of biologically-relevant-exon 6, resulting in an in-frame deletion, removing amino acids Glu260 to Met313, and removing <10% of the protein (PVS1_Moderate). The variant has a rate of 0.00004846 (2/41268 alleles) in the East Asian population in gnomADv4.0.0, which is less than the threshold (<0.0001) for PM2_Supporting. The variant has been found in at least one individual with GT, ClinVar entry (SCV000891201.1) by the Molecular Diagnostics Laboratory, M Health Fairview: University of Minnesota. The patient is compound heterozygous with Likely Pathogenic variant NM_000212.3(ITGB3):c.325del (p.Val109SerfsTer?), phasing not confirmed. The patient had bleeding since childhood, abnormal aggregation, and flow cytometry low levels of GPIIb/IIIa. Patient information is consistent with GT but insufficient for PP4. In summary, this variant meets the criteria to be classified as variant of uncertain significance- insufficient evidence for autosomal recessive Glanzmann Thrombasthenia based on the ACMG/AMP criteria applied, as specified by the ClinGen PD VCEP: PVS1_moderate, PM2_supporting (PD VCEP specifications version 2.1).

Women's Health and Genetics/Laboratory Corporation of America, LabCorp
Classification: Likely pathogenic for Glanzmann thrombasthenia 2. Last evaluated: 2026-02-04. Review status: criteria provided, single submitter. Criteria: LabCorp Variant Classification Summary - May 2015. Collection method: clinical testing. Allele origin: germline. Not counted in ClinVar's aggregate classification.
Comment: Variant summary: ITGB3 c.778-2A>G is located in a canonical splice-site and is predicted to affect mRNA splicing resulting in a significantly altered protein due to either exon skipping, shortening, or inclusion of intronic material. Variants that disrupt the consensus splice site are a relatively common cause of aberrant splicing and loss of ITGB3 function. Several computational tools predict a significant impact on normal splicing: Four predict the variant abolishes a 3' acceptor site. However, these predictions have yet to be confirmed by functional studies. The variant allele was found at a frequency of 8e-06 in 251200 control chromosomes. To our knowledge, no occurrence of c.778-2A>G in individuals affected with ITGB3-related conditions and no experimental evidence demonstrating its impact on protein function have been reported. ClinVar contains an entry for this variant (Variation ID: 623143). Based on the evidence outlined above, the variant was classified as likely pathogenic.

Genesolutions, Medical Genetics Institutes, Ho Chi Minh City, Vietnam
Classification: Pathogenic for Bleeding disorder, platelet-type, 24. Last evaluated: 2025-09-24. Review status: criteria provided, single submitter. Criteria: ACMG Guidelines, 2015. Collection method: clinical testing. Allele origin: germline. Affected: yes. Not counted in ClinVar's aggregate classification.

Fulgent Genetics
Classification: Likely pathogenic for Myocardial infarction, susceptibility to; Glanzmann thrombasthenia 2; Bleeding disorder, platelet-type, 24. Last evaluated: 2024-04-22. Review status: criteria provided, single submitter. Criteria: ACMG Guidelines, 2015. Collection method: clinical testing. Allele origin: germline. Not counted in ClinVar's aggregate classification.

Labcorp Genetics (formerly Invitae), Labcorp
Classification: Likely pathogenic. Last evaluated: 2023-08-28. Review status: criteria provided, single submitter. Criteria: Invitae Variant Classification Sherloc (09022015). Collection method: clinical testing. Allele origin: germline. Not counted in ClinVar's aggregate classification.
Comment: This sequence change affects an acceptor splice site in intron 5 of the ITGB3 gene. It is expected to disrupt RNA splicing. Variants that disrupt the donor or acceptor splice site typically lead to a loss of protein function (PMID: 16199547), and loss-of-function variants in ITGB3 are known to be pathogenic (PMID: 21917754). In summary, the currently available evidence indicates that the variant is pathogenic, but additional data are needed to prove that conclusively. Therefore, this variant has been classified as Likely Pathogenic. Algorithms developed to predict the effect of sequence changes on RNA splicing suggest that this variant may disrupt the consensus splice site. ClinVar contains an entry for this variant (Variation ID: 623143). This variant has not been reported in the literature in individuals affected with ITGB3-related conditions. This variant is present in population databases (rs749261962, gnomAD 0.01%).

Molecular Diagnostics Laboratory, M Health Fairview: University of Minnesota
Classification: Likely pathogenic for Glanzmann thrombasthenia 1. Last evaluated: 2017-12-21. Review status: criteria provided, single submitter. Criteria: ACMG Guidelines, 2015. Collection method: clinical testing. Allele origin: germline. Affected: yes. Observed: 1 variant allele. Not counted in ClinVar's aggregate classification.

Dr. Peter K. Rogan Lab, Western University
No classification provided (evidence only). Condition: Malignant tumor of esophagus. Review status: no classification provided. Collection method: in vitro. Allele origin: not applicable. Functional consequence: skipped exon. Not counted in ClinVar's aggregate classification.

Literature cited by the submitters: PubMed 16199547 (cited by Labcorp Genetics (formerly Invitae), Labcorp); PubMed 21917754 (cited by Labcorp Genetics (formerly Invitae), Labcorp).

NM_000212.3(ITGB3):c.778-2A>G

Gene: ITGB3 (integrin subunit beta 3; plus strand). Cytogenetic location: 17q21.32.
Variant type: single nucleotide variant.
Coding change: c.778-2A>G on transcript NM_000212.3 (MANE Select); the canonical splice acceptor site of the intron before coding-DNA position 778, A replaced by G.
Molecular consequence: splice acceptor variant.
Genome position (GRCh38, 1-based): chr17:47,287,068, A>G. VCF-style: chr17-47287068-A-G. GRCh37 (hg19) VCF-style: chr17-45364434-A-G.
Identifiers: ClinVar variation 623143 (VCV000623143.9), dbSNP rs749261962, ClinGen allele CA8623057.
Genomic context (GRCh38, chr17:47,287,068, plus strand): 5'-CCAGTGACATGGCTGAATTTGTTTTGTCTCCTCTGCCTTTGTTTTTTGTTTTCTTTTAAC[A>G]GGAAAAGATTGGCTGGAGGAATGATGCATCCCACTTGCTGGTGTTTACCACTGATGCCAA-3'